The following is an entry in ClinVar:

ClinVar aggregate classification (germline): Uncertain significance. Review status: criteria provided, multiple submitters, no conflicts (2 of 4 stars). 3 submissions from 3 submitters: Uncertain significance (3). Last evaluated 2025-09-13.

Conditions:
Hereditary cancer-predisposing syndrome. Also called: Neoplastic Syndromes, Hereditary; Tumor predisposition; Hereditary Cancer Syndrome; Hereditary neoplastic syndrome. Identifiers: Orphanet 140162, MedGen C0027672, MeSH D009386, MONDO:0015356.
Familial adenomatous polyposis 1 (FAP1). Also called: FAMILIAL ADENOMATOUS POLYPOSIS 1, ATTENUATED; POLYPOSIS, ADENOMATOUS INTESTINAL. Identifiers: MedGen C2713442, MONDO:0021056, OMIM 175100. Disease mechanism: loss of function.

Allele frequency attached by ClinVar (database versions not stated): ExAC 0.00001.

Submissions (3):

Labcorp Genetics (formerly Invitae), Labcorp
Classification: Uncertain significance for Familial adenomatous polyposis 1. Last evaluated: 2025-09-13. Review status: criteria provided, single submitter. Criteria: Invitae Variant Classification Sherloc (09022015). Collection method: clinical testing. Allele origin: germline.
Comment: This sequence change replaces proline, which is neutral and non-polar, with serine, which is neutral and polar, at codon 1243 of the APC protein (p.Pro1243Ser). This variant is present in population databases (rs779103611, gnomAD 0.002%). This variant has not been reported in the literature in individuals affected with APC-related conditions. ClinVar contains an entry for this variant (Variation ID: 1734343). Invitae Evidence Modeling of protein sequence and biophysical properties (such as structural, functional, and spatial information, amino acid conservation, physicochemical variation, residue mobility, and thermodynamic stability) indicates that this missense variant is not expected to disrupt APC protein function with a negative predictive value of 95%. In summary, the available evidence is currently insufficient to determine the role of this variant in disease. Therefore, it has been classified as a Variant of Uncertain Significance.

Baylor Genetics
Classification: Uncertain significance for Familial adenomatous polyposis 1. Last evaluated: 2024-03-07. Review status: criteria provided, single submitter. Criteria: ACMG Guidelines, 2015. Collection method: clinical testing. Allele origin: unknown.

Ambry Genetics
Classification: Uncertain significance for Hereditary cancer-predisposing syndrome. Last evaluated: 2024-03-06. Review status: criteria provided, single submitter. Criteria: Ambry Variant Classification Scheme 2023. Collection method: clinical testing. Allele origin: germline.
Comment: The p.P1243S variant (also known as c.3727C>T), located in coding exon 15 of the APC gene, results from a C to T substitution at nucleotide position 3727. The proline at codon 1243 is replaced by serine, an amino acid with similar properties. This amino acid position is not well conserved in available vertebrate species. In addition, in silico predictors for this gene do not accurately predict pathogenicity. Based on the available evidence, the clinical significance of this alteration remains unclear.

NM_000038.6(APC):c.3727C>T (p.Pro1243Ser)

Gene: APC (APC regulator of Wnt signaling pathway; plus strand). Cytogenetic location: 5q22.2.
Variant type: single nucleotide variant.
Coding change: c.3727C>T on transcript NM_000038.6 (MANE Select); coding-DNA position 3727, C replaced by T.
Protein change: p.Pro1243Ser; replaces proline 1243 with serine.
Molecular consequence: missense variant.
Genome position (GRCh38, 1-based): chr5:112,839,321, C>T. VCF-style: chr5-112839321-C-T. GRCh37 (hg19) VCF-style: chr5-112175018-C-T.
Other names: c.3727C>T, p.Pro1243Ser (NM_001127510.3, NM_001354895.2, NM_001407450.1); c.3673C>T, p.Pro1225Ser (NM_001127511.3); c.3781C>T, p.Pro1261Ser (NM_001354896.2, NM_001407447.1, NM_001407448.1 and 1 more transcripts); c.3757C>T, p.Pro1253Ser (NM_001354897.2); c.3652C>T, p.Pro1218Ser (NM_001354898.2); c.3643C>T, p.Pro1215Ser (NM_001354899.2); c.3604C>T, p.Pro1202Ser (NM_001354900.2); c.3550C>T, p.Pro1184Ser (NM_001354901.2, NM_001407453.1); and 11 more; short protein forms P1160S, P1202S, P1261S, P1271S, P1152S, P1184S, P1215S, P1253S.
Identifiers: ClinVar variation 1734343 (VCV001734343.4), dbSNP rs779103611, ClinGen allele CA036404.